The following is an entry in ClinVar:

NM_001372044.2(SHANK3):c.3353A>C (p.Asp1118Ala)

Gene: SHANK3 (SH3 and multiple ankyrin repeat domains 3; plus strand). Cytogenetic location: 22q13.33.
Variant type: single nucleotide variant.
Coding change: c.3353A>C on transcript NM_001372044.2 (MANE Select); coding-DNA position 3353, A replaced by C.
Protein change: p.Asp1118Ala; replaces aspartic acid 1118 with alanine.
Molecular consequence: missense variant.
Genome position (GRCh38, 1-based): chr22:50,720,961, A>C. VCF-style: chr22-50720961-A-C. GRCh37 (hg19) VCF-style: chr22-51159389-A-C.
Other names: c.3128A>C, p.Asp1043Ala (NM_033517.1); short protein forms D1043A, D1118A.
Identifiers: ClinVar variation 419375 (VCV000419375.7), dbSNP rs1064793828, ClinGen allele CA16621139.

ClinVar aggregate classification (germline): Likely benign. Review status: criteria provided, multiple submitters, no conflicts (2 of 4 stars). 2 submissions from 2 submitters: Likely benign (2). Last evaluated 2023-05-01.

Conditions:
Inborn genetic diseases. Identifiers: MedGen C0950123, MeSH D030342.

Allele frequency attached by ClinVar (database versions not stated): gnomAD exomes below 0.00001; TOPMed below 0.00001; gnomAD 0.00001.

Submissions (2):

GeneDx
Classification: Likely benign. Last evaluated: 2023-05-01. Review status: criteria provided, single submitter. Criteria: GeneDx Variant Classification Process June 2021. Collection method: clinical testing. Allele origin: germline. Affected: yes.
Comment: See Variant Classification Assertion Criteria.

Ambry Genetics
Classification: Likely benign for Inborn genetic diseases. Last evaluated: 2018-03-13. Review status: criteria provided, single submitter. Criteria: Ambry Variant Classification Scheme 2023. Collection method: clinical testing. Allele origin: germline.